The following is an entry in ClinVar:

ClinVar aggregate classification (germline): Likely benign (1 of 4 stars; one submission).

gnomAD v4.1: 127 of 1,608,216 alleles (0.0079%); highest among the groups gnomAD compares: East Asian, 0.051%; no homozygotes.

Submission:

CeGaT Center for Human Genetics Tuebingen
Classification: Likely benign. Last evaluated: 2026-08-01. Review status: criteria provided, single submitter. Criteria: CeGaT Center For Human Genetics Tuebingen Variant Classification Criteria Version 2. Collection method: clinical testing. Allele origin: germline. Affected: yes. Observed: 2 variant alleles.
Comment: EBF3: BP4, BP7

NM_001375380.1(EBF3):c.1224C>T (p.Ile408=)

Gene: EBF3 (EBF transcription factor 3; minus strand). Cytogenetic location: 10q26.3.
Variant type: single nucleotide variant.
Coding change: c.1224C>T on transcript NM_001375380.1 (MANE Select); coding-DNA position 1224, C replaced by T.
Protein change: p.Ile408=; no amino-acid change (isoleucine 408 retained).
Molecular consequence: synonymous variant.
Genome position (GRCh38, 1-based): chr10:129,842,264, G>A on the plus strand (C>T on the coding strand, the complement: EBF3 is on the minus strand). VCF-style: chr10-129842264-G-A. GRCh37 (hg19) VCF-style: chr10-131640528-G-A.
Other names: c.1224C>T, p.Ile408= (NM_001375379.1, NM_001375389.1, NM_001375391.1); c.1197C>T, p.Ile399= (NM_001375390.1, NM_001375392.1, NM_001005463.3).
Identifiers: ClinVar variation 3257693 (VCV003257693.17).